The following is an entry in ClinVar:

NM_004415.4(DSP):c.4621_4624dup (p.Tyr1542Ter)

Gene: DSP (desmoplakin; plus strand). Cytogenetic location: 6p24.3.
Variant type: Duplication.
Coding change: c.4621_4624dup on transcript NM_004415.4 (MANE Select); coding-DNA positions 4621 to 4624, 4 bases duplicated (GACT; older notation c.4621_4624dupGACT).
Protein change: p.Tyr1542Ter; replaces tyrosine 1542 with a stop codon.
Molecular consequence: nonsense. On other transcripts: intron variant (2).
Genome position (GRCh38, 1-based): chr6:7,580,811-7,580,814, GACT duplicated. VCF-style (leftmost placement, unchanged base first): chr6-7580810-C-CGACT. GRCh37 (hg19) VCF-style: chr6-7581043-C-CGACT.
Other names: c.4050+571_4050+574dup (NM_001319034.2); c.3582+1039_3582+1042dup (NM_001008844.3); short protein forms Y1542*.
Identifiers: ClinVar variation 4793244 (VCV004793244.1).

ClinVar aggregate classification (germline): Pathogenic (1 of 4 stars; one submission).

Conditions:
Arrhythmogenic right ventricular dysplasia 8 (ARVD8). Also called: Arrhythmogenic Right Ventricular Dysplasia/Cardiomyopathy 8; ARRHYTHMOGENIC RIGHT VENTRICULAR DYSPLASIA, FAMILIAL, 8; ARRHYTHMOGENIC RIGHT VENTRICULAR CARDIOMYOPATHY 8. Identifiers: MedGen C1843896, MONDO:0011831, OMIM 607450.
Arrhythmogenic cardiomyopathy with wooly hair and keratoderma. Also called: PALMOPLANTAR KERATODERMA WITH LEFT VENTRICULAR CARDIOMYOPATHY AND WOOLLY HAIR; Dilated cardiomyopathy with woolly hair and keratoderma; Arrhythmogenic cardiomyopathy with woolly hair and keratoderma; Carvajal syndrome. Identifiers: Orphanet 65282, MedGen C1854063, MONDO:0011581, OMIM 605676.

Submission:

Labcorp Genetics (formerly Invitae), Labcorp
Classification: Pathogenic for Arrhythmogenic cardiomyopathy with wooly hair and keratoderma; Arrhythmogenic right ventricular dysplasia 8. Last evaluated: 2025-09-03. Review status: criteria provided, single submitter. Criteria: Invitae Variant Classification Sherloc (09022015). Collection method: clinical testing. Allele origin: germline.
Comment: This sequence change creates a premature translational stop signal (p.Tyr1542*) in the DSP gene. It is expected to result in an absent or disrupted protein product. Loss-of-function variants in DSP are known to be pathogenic (PMID: 20716751, 24503780, 25227139). This variant is not present in population databases (gnomAD no frequency). This variant has not been reported in the literature in individuals affected with DSP-related conditions. For these reasons, this variant has been classified as Pathogenic.

Literature cited by the submitters: PubMed 20716751; PubMed 24503780; PubMed 25227139.